The following is an entry in ClinVar:

ClinVar aggregate classification (germline): Uncertain significance. Review status: criteria provided, multiple submitters, no conflicts (2 of 4 stars). 8 submissions from 8 submitters: Uncertain significance (8). Last evaluated 2025-11-20.

Conditions:
Hirschsprung disease, susceptibility to, 1 (HSCR1). Also called: RET-Related Hirschsprung Disease. Identifiers: Orphanet 388, MedGen C3888239, MONDO:0007723, OMIM 142623.
Multiple endocrine neoplasia type 2A. Also called: MULTIPLE ENDOCRINE NEOPLASIA, TYPE IIA; PTC SYNDROME; SIPPLE SYNDROME; MEN 2A; MEN-2A syndrome; Pheochromocytoma and amyloid producing medullary thyroid carcinoma. Identifiers: Orphanet 247698, Orphanet 653, MedGen C0025268, MeSH D018813, MONDO:0008234, OMIM 171400.
Multiple endocrine neoplasia type 2B. Also called: WAGENMANN-FROBOESE SYNDROME; MULTIPLE ENDOCRINE NEOPLASIA, TYPE III; Multiple endocrine neoplasia, type 3; MULTIPLE ENDOCRINE NEOPLASIA, TYPE IIB; MEN 2B; MEN IIB. Identifiers: Orphanet 247709, Orphanet 653, MedGen C0025269, MeSH D018814, MONDO:0008082, OMIM 162300.
Pheochromocytoma. Also called: MAX-Related Hereditary Paraganglioma-Pheochromocytoma Syndrome. Identifiers: Orphanet 29072, MedGen C0031511, MONDO:0008233, OMIM 171300, HP:0002666.
Familial medullary thyroid carcinoma (MTC). Also called: Thyroid cancer, familial medullary; MTC, familial; Familial Medullary Thyroid Carcinoma (FMTC). Identifiers: Orphanet 653, Orphanet 99361, MedGen C1833921, MONDO:0007958, OMIM 155240.
RET-related disorder. Also called: RET-related condition; RET-related disease; RET-related disorders.
Hereditary cancer-predisposing syndrome. Also called: Neoplastic Syndromes, Hereditary; Hereditary Cancer Syndrome; Tumor predisposition; Hereditary neoplastic syndrome. Identifiers: Orphanet 140162, MedGen C0027672, MeSH D009386, MONDO:0015356.
Multiple endocrine neoplasia, type 2 (MEN2). Identifiers: Orphanet 653, MedGen C4048306, MONDO:0019003. Disease mechanism: gain of function.

Allele frequency attached by ClinVar (database versions not stated): gnomAD 0.00001; gnomAD exomes below 0.00001; TOPMed 0.00001; ESP Exome Variant Server 0.00008; ExAC 0.00001.
gnomAD v4.1: 2 of 1,614,032 alleles (0.00012%); highest among the groups gnomAD compares: African/African-American, 0.0027%; no homozygotes.

Submissions (8):

PreventionGenetics, part of Exact Sciences
Classification: Uncertain significance for RET-related condition. Last evaluated: 2025-11-20. Review status: criteria provided, single submitter. Criteria: ACMG Guidelines, 2015. Collection method: clinical testing. Allele origin: germline.
Comment: The RET c.548G>A variant is predicted to result in the amino acid substitution p.Gly183Asp. This variant has been reported in a single individual with breast cancer from a large cohort study on hereditary cancer risk syndromes (Suppl Table 3. de Oliveira et al. 2022. PubMed ID: 35534704). This variant is reported in 0.0062% of alleles in individuals of African descent in gnomAD. At this time, the clinical significance of this variant is uncertain due to the absence of conclusive functional and genetic evidence.

Labcorp Genetics (formerly Invitae), Labcorp
Classification: Uncertain significance for Multiple endocrine neoplasia, type 2. Last evaluated: 2025-09-24. Review status: criteria provided, single submitter. Criteria: Invitae Variant Classification Sherloc (09022015). Collection method: clinical testing. Allele origin: germline.
Comment: This sequence change replaces glycine, which is neutral and non-polar, with aspartic acid, which is acidic and polar, at codon 183 of the RET protein (p.Gly183Asp). This variant is not present in population databases (gnomAD no frequency). This missense change has been observed in individual(s) with breast cancer (PMID: 35534704). ClinVar contains an entry for this variant (Variation ID: 188067). An algorithm developed to predict the effect of missense changes on protein structure and function (PolyPhen-2) suggests that this variant is likely to be disruptive. In summary, the available evidence is currently insufficient to determine the role of this variant in disease. Therefore, it has been classified as a Variant of Uncertain Significance.

Color Diagnostics, LLC DBA Color Health
Classification: Uncertain significance for Multiple endocrine neoplasia, type 2. Last evaluated: 2025-09-17. Review status: criteria provided, single submitter. Criteria: ACMG Guidelines, 2015. Collection method: clinical testing. Allele origin: germline.
Comment: This missense variant replaces glycine with aspartic acid at codon 183 of the RET protein. Computational predictions are inconclusive regarding the impact of this variant on protein structure and function. To our knowledge, functional studies have not been reported for this variant. This variant has not been reported in individuals affected with RET-related disorders in the literature. This variant has been identified in 1/251358 chromosomes in the general population by the Genome Aggregation Database (gnomAD). The available evidence is insufficient to determine the role of this variant in disease conclusively. Therefore, this variant is classified as a Variant of Uncertain Significance.

Ambry Genetics
Classification: Uncertain significance for Hereditary cancer-predisposing syndrome. Last evaluated: 2025-06-13. Review status: criteria provided, single submitter. Criteria: Ambry Variant Classification Scheme 2023. Collection method: clinical testing. Allele origin: germline.
Comment: The p.G183D variant (also known as c.548G>A), located in coding exon 3 of the RET gene, results from a G to A substitution at nucleotide position 548. The glycine at codon 183 is replaced by aspartic acid, an amino acid with similar properties. This amino acid position is highly conserved in available vertebrate species. In addition, this alteration is predicted to be deleterious by in silico analysis. Since supporting evidence is limited at this time, the clinical significance of this alteration remains unclear.

GeneDx
Classification: Uncertain significance. Last evaluated: 2025-06-11. Review status: criteria provided, single submitter. Criteria: GeneDx Variant Classification Process June 2021. Collection method: clinical testing. Allele origin: germline. Affected: yes.
Comment: Not observed at significant frequency in large population cohorts (gnomAD); In silico analysis supports that this missense variant has a deleterious effect on protein structure/function; Identified in an individual with personal history of breast cancer (PMID: 35534704); This variant is associated with the following publications: (PMID: 14633923, 35534704)

St. Jude Molecular Pathology, St. Jude Children's Research Hospital
Classification: Uncertain significance for Multiple endocrine neoplasia type 2A. Last evaluated: 2025-02-05. Review status: criteria provided, single submitter. Criteria: St. Jude Assertion Criteria 2020. Collection method: clinical testing. Allele origin: germline.
Comment: The RET c.548G>A p.(Gly183Asp) missense change has a maximum subpopulation frequency of 0.0062% in gnomAD v2.1.1. The in silico tool REVEL predicts a deleterious effect on protein function, but to our knowledge this prediction has not been confirmed by functional studies. To our knowledge, this variant has not been reported in the literature in individuals with multiple endocrine neoplasia type 2. In summary, the evidence currently available is insufficient to determine the clinical significance of this variant. It has therefore been classified as of uncertain significance.

Fulgent Genetics
Classification: Uncertain significance for Hirschsprung disease, susceptibility to, 1; Familial medullary thyroid carcinoma; Multiple endocrine neoplasia type 2B; Pheochromocytoma; Multiple endocrine neoplasia type 2A. Last evaluated: 2024-03-21. Review status: criteria provided, single submitter. Criteria: ACMG Guidelines, 2015. Collection method: clinical testing. Allele origin: germline.

Baylor Genetics
Classification: Uncertain significance for Hirschsprung disease, susceptibility to, 1. Last evaluated: 2023-05-01. Review status: criteria provided, single submitter. Criteria: ACMG Guidelines, 2015. Collection method: clinical testing. Allele origin: unknown.

Literature cited by the submitters: PubMed 35534704 (cited by Labcorp Genetics (formerly Invitae), Labcorp).

NM_020975.6(RET):c.548G>A (p.Gly183Asp)

Gene: RET (ret proto-oncogene; plus strand). Cytogenetic location: 10q11.21.
Variant type: single nucleotide variant.
Coding change: c.548G>A on transcript NM_020975.6 (MANE Select); coding-DNA position 548, G replaced by A.
Protein change: p.Gly183Asp; replaces glycine 183 with aspartic acid.
Molecular consequence: missense variant.
Genome position (GRCh38, 1-based): chr10:43,102,552, G>A. VCF-style: chr10-43102552-G-A. GRCh37 (hg19) VCF-style: chr10-43598000-G-A.
Other names: c.419G>A, p.Gly140Asp (NM_001406786.1, NM_001406761.1, NM_001406762.1 and 4 more transcripts); c.548G>A, p.Gly183Asp (NM_001406787.1, NM_020629.2, NM_020630.7 and 16 more transcripts); c.548G>A (NM_020630.5); short protein forms G183D, G140D.
Identifiers: ClinVar variation 188067 (VCV000188067.21), dbSNP rs144801580, ClinGen allele CA009287.